The following is an entry in ClinVar:

ClinVar aggregate classification (germline): Likely benign (1 of 4 stars; one submission).

Conditions:
Oculocutaneous albinism type 8. Also called: OCULOCUTANEOUS ALBINISM, TYPE VIII. Identifiers: Orphanet 597733, MedGen C5436929, MONDO:0030899, OMIM 619165.

Submission:

Centre for Medical Genetics,  Mumbai
Classification: Likely benign for Oculocutaneous albinism type 8. Last evaluated: 2026-05-02. Review status: criteria provided, single submitter. Criteria: ACMG Guidelines, 2015. Collection method: provider interpretation. Allele origin: germline. Inheritance: Autosomal recessive inheritance. Affected: no. Observed: 1 variant allele, 1 homozygote.
Comment: The variant satisfies PM2 criteria - extremely low frequency in gnomAD population databases. The variant satisfies BS2 criteria - was observed in a homozygous state in population databases more than expected for disease. The variant satisfies PP3 criteria - for a missense or a splicing region variant, computational prediction tools unanimously support a deleterious effect on the gene. Hence, should be considered a likely benign variant.

Literature cited by the submitters: PubMed 33100333.

NM_001922.5(DCT):c.853G>C (p.Val285Leu)

Gene: DCT (dopachrome tautomerase; minus strand). Cytogenetic location: 13q32.1.
Variant type: single nucleotide variant.
Coding change: c.853G>C on transcript NM_001922.5 (MANE Select); coding-DNA position 853, G replaced by C.
Protein change: p.Val285Leu; replaces valine 285 with leucine.
Molecular consequence: missense variant. On other transcripts: 5 prime UTR variant (4).
Genome position (GRCh38, 1-based): chr13:94,465,643, C>G on the plus strand (G>C on the coding strand, the complement: DCT is on the minus strand). VCF-style: chr13-94465643-C-G. GRCh37 (hg19) VCF-style: chr13-95117897-C-G.
Other names: c.853G>C, p.Val285Leu (NM_001129889.3); c.-81G>C (NM_001322182.2, NM_001322183.2, NM_001322184.2 and 1 more transcripts); c.664G>C, p.Val222Leu (NM_001322186.2); short protein forms V222L, V285L.
Identifiers: ClinVar variation 4852281 (VCV004852281.1).